The following is an entry in ClinVar:

NM_006231.4(POLE):c.857del (p.Pro286fs)

Gene: POLE (DNA polymerase epsilon, catalytic subunit; minus strand). Cytogenetic location: 12q24.33.
Variant type: Deletion.
Coding change: c.857del on transcript NM_006231.4 (MANE Select); coding-DNA position 857, one base deleted (C; older notation c.857delC).
Protein change: p.Pro286fs; shifts the reading frame from proline 286.
Molecular consequence: frameshift variant.
Genome position (GRCh38, 1-based): chr12:132,676,598, G deleted on the plus strand (C on the coding strand, the reverse complement: POLE is on the minus strand); the first of 2 consecutive G bases (chr12:132,676,598-132,676,599); deleting either gives the same sequence. VCF-style (leftmost placement, unchanged base first): chr12-132676597-AG-A. GRCh37 (hg19) VCF-style: chr12-133253183-AG-A.
Other names: short protein forms P286fs.
Identifiers: ClinVar variation 2730725 (VCV002730725.3), dbSNP rs2542171644, ClinGen allele CA2697551618.
Genomic context (GRCh38, chr12:132,676,597, plus strand): 5'-CCTGCTCACCTGGCCATCGATCATGTAGGAAATCATCATAATCTGGTCTGTCTCAGCATC[AG>A]GAAACTTGAGGGGCAGTTTGGTCGTCTCAATGTCAAATGCCAAAACCACAGGGTCCTGTG-3'

ClinVar aggregate classification (germline): Pathogenic (1 of 4 stars; one submission).

Submission:

Labcorp Genetics (formerly Invitae), Labcorp
Classification: Pathogenic. Last evaluated: 2023-06-27. Review status: criteria provided, single submitter. Criteria: Invitae Variant Classification Sherloc (09022015). Collection method: clinical testing. Allele origin: germline.
Comment: This sequence change creates a premature translational stop signal (p.Pro286Leufs*9) in the POLE gene. It is expected to result in an absent or disrupted protein product. Loss-of-function variants in POLE are known to be pathogenic (PMID: 23230001, 25948378, 30503519). This variant is not present in population databases (gnomAD no frequency). This variant has not been reported in the literature in individuals affected with POLE-related conditions. For these reasons, this variant has been classified as Pathogenic.

Literature cited by the submitters: PubMed 23230001; PubMed 25948378; PubMed 30503519.